The following is an entry in ClinVar:

ClinVar aggregate classification (germline): Uncertain significance. Review status: criteria provided, multiple submitters, no conflicts (2 of 4 stars). 2 submissions from 2 submitters: Uncertain significance (2). Last evaluated 2025-11-24.

Conditions:
SH3TC2-related disorder. Also called: SH3TC2-related condition; SH3TC2-related disorders. Identifiers: MedGen CN239303.
Inborn genetic diseases. Identifiers: MedGen C0950123, MeSH D030342.

gnomAD v4.1: 3 of 1,613,812 alleles (0.00019%); highest among the groups gnomAD compares: African/African-American, 0.004%; no homozygotes.

Submissions (2):

Ambry Genetics
Classification: Uncertain significance for Inborn genetic diseases. Last evaluated: 2025-11-24. Review status: criteria provided, single submitter. Criteria: Ambry Variant Classification Scheme 2023. Collection method: clinical testing. Allele origin: germline.

PreventionGenetics, part of Exact Sciences
Classification: Uncertain significance for SH3TC2-related condition. Last evaluated: 2025-03-22. Review status: criteria provided, single submitter. Criteria: ACMG Guidelines, 2015. Collection method: clinical testing. Allele origin: germline.
Comment: The SH3TC2 c.1943G>C variant is predicted to result in the amino acid substitution p.Arg648Pro. To our knowledge, this variant has not been reported in the literature. This variant is reported in 0.0062% of alleles in individuals of African descent in gnomAD. At this time, the clinical significance of this variant is uncertain due to the absence of conclusive functional and genetic evidence.

NM_024577.4(SH3TC2):c.1943G>C (p.Arg648Pro)

Gene: SH3TC2 (SH3 domain and tetratricopeptide repeats 2; minus strand). Cytogenetic location: 5q32.
Variant type: single nucleotide variant.
Coding change: c.1943G>C on transcript NM_024577.4 (MANE Select); coding-DNA position 1943, G replaced by C.
Protein change: p.Arg648Pro; replaces arginine 648 with proline.
Molecular consequence: missense variant.
Genome position (GRCh38, 1-based): chr5:149,027,789, C>G on the plus strand (G>C on the coding strand, the complement: SH3TC2 is on the minus strand). VCF-style: chr5-149027789-C-G. GRCh37 (hg19) VCF-style: chr5-148407352-C-G.
Other names: short protein forms R648P.
Identifiers: ClinVar variation 4630813 (VCV004630813.2).